The following is an entry in ClinVar:

ClinVar aggregate classification (germline): Uncertain significance. Review status: criteria provided, multiple submitters, no conflicts (2 of 4 stars). 3 submissions from 3 submitters: Uncertain significance (3). Last evaluated 2024-11-30.

Conditions:
Familial adenomatous polyposis 1 (FAP1). Also called: FAMILIAL ADENOMATOUS POLYPOSIS 1, ATTENUATED; POLYPOSIS, ADENOMATOUS INTESTINAL. Identifiers: MedGen C2713442, MONDO:0021056, OMIM 175100. Disease mechanism: loss of function.
Hereditary cancer-predisposing syndrome. Also called: Hereditary Cancer Syndrome; Hereditary neoplastic syndrome; Tumor predisposition; Neoplastic Syndromes, Hereditary. Identifiers: Orphanet 140162, MedGen C0027672, MeSH D009386, MONDO:0015356.

Allele frequency attached by ClinVar (database versions not stated): gnomAD exomes below 0.00001.
gnomAD v4.1: 1 of 1,613,878 alleles (0.000062%); highest among the groups gnomAD compares: Non-Finnish European, 0.000085%; no homozygotes.

Submissions (3):

Ambry Genetics
Classification: Uncertain significance for Hereditary cancer-predisposing syndrome. Last evaluated: 2024-11-30. Review status: criteria provided, single submitter. Criteria: Ambry Variant Classification Scheme 2023. Collection method: clinical testing. Allele origin: germline.
Comment: The p.N2238S variant (also known as c.6713A>G), located in coding exon 15 of the APC gene, results from an A to G substitution at nucleotide position 6713. The asparagine at codon 2238 is replaced by serine, an amino acid with highly similar properties. This amino acid position is conserved. In addition, in silico predictors for this gene do not accurately predict pathogenicity. Based on the available evidence, the clinical significance of this variant remains unclear.

Color Diagnostics, LLC DBA Color Health
Classification: Uncertain significance for Hereditary cancer-predisposing syndrome. Last evaluated: 2024-03-06. Review status: criteria provided, single submitter. Criteria: ACMG Guidelines, 2015. Collection method: clinical testing. Allele origin: germline.
Comment: This missense variant replaces asparagine with serine at codon 2238 of the APC protein. Computational prediction suggests that this variant may not impact protein structure and function (internally defined REVEL score threshold <= 0.5, PMID: 27666373). To our knowledge, functional studies have not been reported for this variant. This variant has not been reported in individuals affected with hereditary cancer in the literature. This variant has not been identified in the general population by the Genome Aggregation Database (gnomAD). The available evidence is insufficient to determine the role of this variant in disease conclusively. Therefore, this variant is classified as a Variant of Uncertain Significance.

Labcorp Genetics (formerly Invitae), Labcorp
Classification: Uncertain significance for Familial adenomatous polyposis 1. Last evaluated: 2021-11-17. Review status: criteria provided, single submitter. Criteria: Invitae Variant Classification Sherloc (09022015). Collection method: clinical testing. Allele origin: germline.
Comment: In summary, the available evidence is currently insufficient to determine the role of this variant in disease. Therefore, it has been classified as a Variant of Uncertain Significance. Algorithms developed to predict the effect of missense changes on protein structure and function (SIFT, PolyPhen-2, Align-GVGD) all suggest that this variant is likely to be tolerated. ClinVar contains an entry for this variant (Variation ID: 843567). This variant has not been reported in the literature in individuals affected with APC-related conditions. This variant is not present in population databases (gnomAD no frequency). This sequence change replaces asparagine, which is neutral and polar, with serine, which is neutral and polar, at codon 2238 of the APC protein (p.Asn2238Ser).

NM_000038.6(APC):c.6713A>G (p.Asn2238Ser)

Gene: APC (APC regulator of Wnt signaling pathway; plus strand). Cytogenetic location: 5q22.2.
Variant type: single nucleotide variant.
Coding change: c.6713A>G on transcript NM_000038.6 (MANE Select); coding-DNA position 6713, A replaced by G.
Protein change: p.Asn2238Ser; replaces asparagine 2238 with serine.
Molecular consequence: missense variant.
Genome position (GRCh38, 1-based): chr5:112,842,307, A>G. VCF-style: chr5-112842307-A-G. GRCh37 (hg19) VCF-style: chr5-112178004-A-G.
Other names: c.6713A>G, p.Asn2238Ser (NM_001127510.3, NM_001354895.2); c.6659A>G, p.Asn2220Ser (NM_001127511.3); c.6767A>G, p.Asn2256Ser (NM_001354896.2); c.6743A>G, p.Asn2248Ser (NM_001354897.2); c.6638A>G, p.Asn2213Ser (NM_001354898.2); c.6629A>G, p.Asn2210Ser (NM_001354899.2); c.6590A>G, p.Asn2197Ser (NM_001354900.2); c.6536A>G, p.Asn2179Ser (NM_001354901.2); and 5 more; short protein forms N1955S, N2210S, N2078S, N2137S, N2197S, N2220S, N2248S, N2112S.
Identifiers: ClinVar variation 843567 (VCV000843567.13), dbSNP rs1766281998, ClinGen allele CA16036002.